The following is an entry in ClinVar:

NM_001164508.2(NEB):c.254A>G (p.Tyr85Cys)

Gene: NEB (nebulin; minus strand). Cytogenetic location: 2q23.3.
Variant type: single nucleotide variant.
Coding change: c.254A>G on transcript NM_001164508.2 (MANE Select); coding-DNA position 254, A replaced by G.
Protein change: p.Tyr85Cys; replaces tyrosine 85 with cysteine.
Molecular consequence: missense variant.
Genome position (GRCh38, 1-based): chr2:151,727,731, T>C on the plus strand (A>G on the coding strand, the complement: NEB is on the minus strand). VCF-style: chr2-151727731-T-C. GRCh37 (hg19) VCF-style: chr2-152584245-T-C.
Other names: c.254A>G, p.Tyr85Cys (NM_001164507.2, NM_001271208.2, NM_004543.5); short protein forms Y85C.
Identifiers: ClinVar variation 1501621 (VCV001501621.7), dbSNP rs1201662596, ClinGen allele CA348794636.

ClinVar aggregate classification (germline): Uncertain significance (1 of 4 stars; one submission).

Conditions:
Nemaline myopathy 2 (NEM2). Also called: Nemaline myopathy 2, autosomal recessive. Identifiers: MedGen C1850569, MONDO:0009725, OMIM 256030.

Allele frequency attached by ClinVar (database versions not stated): gnomAD exomes below 0.00001.
gnomAD v4.1: 2 of 1,613,618 alleles (0.00012%); highest among the groups gnomAD compares: Non-Finnish European, 0.00017%; no homozygotes.

Submission:

Labcorp Genetics (formerly Invitae), Labcorp
Classification: Uncertain significance for Nemaline myopathy 2. Last evaluated: 2022-11-15. Review status: criteria provided, single submitter. Criteria: Invitae Variant Classification Sherloc (09022015). Collection method: clinical testing. Allele origin: germline.
Comment: In summary, the available evidence is currently insufficient to determine the role of this variant in disease. Therefore, it has been classified as a Variant of Uncertain Significance. Algorithms developed to predict the effect of missense changes on protein structure and function are either unavailable or do not agree on the potential impact of this missense change (SIFT: "Deleterious"; PolyPhen-2: "Not Available"; Align-GVGD: "Class C0"). ClinVar contains an entry for this variant (Variation ID: 1501621). This variant has not been reported in the literature in individuals affected with NEB-related conditions. This variant is present in population databases (no rsID available, gnomAD 0.0009%). This sequence change replaces tyrosine, which is neutral and polar, with cysteine, which is neutral and slightly polar, at codon 85 of the NEB protein (p.Tyr85Cys).